The following is an entry in ClinVar:

NM_004230.4(S1PR2):c.855C>T (p.Pro285=)

Gene: S1PR2 (sphingosine-1-phosphate receptor 2; minus strand). Cytogenetic location: 19p13.2.
Variant type: single nucleotide variant.
Coding change: c.855C>T on transcript NM_004230.4 (MANE Select); coding-DNA position 855, C replaced by T.
Protein change: p.Pro285=; no amino-acid change (proline 285 retained).
Molecular consequence: synonymous variant.
Genome position (GRCh38, 1-based): chr19:10,224,051, G>A on the plus strand (C>T on the coding strand, the complement: S1PR2 is on the minus strand). VCF-style: chr19-10224051-G-A. GRCh37 (hg19) VCF-style: chr19-10334727-G-A.
Identifiers: ClinVar variation 1210576 (VCV001210576.9), dbSNP rs202092003, ClinGen allele CA9189006.

ClinVar aggregate classification (germline): Benign/Likely benign. Review status: criteria provided, multiple submitters, no conflicts (2 of 4 stars). 3 submissions from 3 submitters: Benign (1); Likely benign (2). Last evaluated 2026-06-03.

Conditions:
S1PR2-related disorder. Also called: S1PR2-related condition.

Allele frequency attached by ClinVar (database versions not stated): gnomAD 0.00005 and 0.00006; TOPMed 0.00007; gnomAD exomes 0.00017; 1000 Genomes Project 0.00020; ExAC 0.00020; 1000 Genomes Project 30x 0.00031.
gnomAD v4.1: 85 of 1,610,956 alleles (0.0053%); highest among the groups gnomAD compares: East Asian, 0.062%; no homozygotes.

Submissions (3):

PreventionGenetics, part of Exact Sciences
Classification: Likely benign for S1PR2-related condition. Last evaluated: 2026-06-03. Review status: criteria provided, single submitter. Criteria: ACMG Guidelines, 2015. Collection method: clinical testing. Allele origin: germline.
Comment: This variant is classified as likely benign based on ACMG/AMP sequence variant interpretation guidelines (Richards et al. 2015 PMID: 25741868, with internal and published modifications).

Labcorp Genetics (formerly Invitae), Labcorp
Classification: Benign. Last evaluated: 2026-01-15. Review status: criteria provided, single submitter. Criteria: Invitae Variant Classification Sherloc (09022015). Collection method: clinical testing. Allele origin: germline.

GeneDx
Classification: Likely benign. Last evaluated: 2021-07-08. Review status: criteria provided, single submitter. Criteria: GeneDx Variant Classification Process June 2021. Collection method: clinical testing. Allele origin: germline. Affected: yes.